The following is an entry in ClinVar:

NM_000257.4(MYH7):c.1541G>A (p.Gly514Asp)

Gene: MYH7 (myosin heavy chain 7; minus strand). Cytogenetic location: 14q11.2.
Variant type: single nucleotide variant.
Coding change: c.1541G>A on transcript NM_000257.4 (MANE Select); coding-DNA position 1541, G replaced by A.
Protein change: p.Gly514Asp; replaces glycine 514 with aspartic acid.
Molecular consequence: missense variant.
Genome position (GRCh38, 1-based): chr14:23,428,537, C>T on the plus strand (G>A on the coding strand, the complement: MYH7 is on the minus strand). VCF-style: chr14-23428537-C-T. GRCh37 (hg19) VCF-style: chr14-23897746-C-T.
Other names: short protein forms G514D.
Identifiers: ClinVar variation 42849 (VCV000042849.5), dbSNP rs397516111, ClinGen allele CA010922.

ClinVar aggregate classification (germline): Uncertain significance (1 of 4 stars; one submission).

Submission:

Laboratory for Molecular Medicine, Mass General Brigham Personalized Medicine
Classification: Uncertain significance. Last evaluated: 2018-07-24. Review status: criteria provided, single submitter. Criteria: LMM Criteria. Collection method: clinical testing. Allele origin: germline. Observed: 1 variant allele.
Comment: proposed classification - variant undergoing re-assessment, contact laboratory

Literature cited by the submitters: PubMed 27532257.